The following is an entry in ClinVar:

ClinVar aggregate classification (germline): Uncertain significance (1 of 4 stars; one submission).

Conditions:
Developmental and epileptic encephalopathy, 25 (DEE25). Also called: Developmental and epileptic encephalopathy 25, with amelogenesis imperfecta; Epileptic encephalopathy, early infantile, 25, with amelogenesis imperfecta; Epileptic encephalopathy, early infantile, 25. Identifiers: Orphanet 442835, MedGen C4014621, MONDO:0014392, OMIM 615905.

Allele frequency attached by ClinVar (database versions not stated): gnomAD 0.00001; gnomAD exomes 0.00001 and 0.00002; ExAC 0.00002; TOPMed 0.00002.
gnomAD v4.1: 24 of 1,613,900 alleles (0.0015%); highest among the groups gnomAD compares: Non-Finnish European, 0.0019%; no homozygotes.

Submission:

Labcorp Genetics (formerly Invitae), Labcorp
Classification: Uncertain significance for Developmental and epileptic encephalopathy, 25. Last evaluated: 2022-02-24. Review status: criteria provided, single submitter. Criteria: Invitae Variant Classification Sherloc (09022015). Collection method: clinical testing. Allele origin: germline.
Comment: In summary, the available evidence is currently insufficient to determine the role of this variant in disease. Therefore, it has been classified as a Variant of Uncertain Significance. Algorithms developed to predict the effect of missense changes on protein structure and function (SIFT, PolyPhen-2, Align-GVGD) all suggest that this variant is likely to be disruptive. ClinVar contains an entry for this variant (Variation ID: 638888). This variant has not been reported in the literature in individuals affected with SLC13A5-related conditions. This variant is present in population databases (rs765088400, gnomAD 0.007%). This sequence change replaces methionine, which is neutral and non-polar, with threonine, which is neutral and polar, at codon 503 of the SLC13A5 protein (p.Met503Thr).

NM_177550.5(SLC13A5):c.1508T>C (p.Met503Thr)

Gene: SLC13A5 (solute carrier family 13 member 5; minus strand). Cytogenetic location: 17p13.1.
Variant type: single nucleotide variant.
Coding change: c.1508T>C on transcript NM_177550.5 (MANE Select); coding-DNA position 1508, T replaced by C.
Protein change: p.Met503Thr; replaces methionine 503 with threonine.
Molecular consequence: missense variant. On other transcripts: intron variant (1).
Genome position (GRCh38, 1-based): chr17:6,687,596, A>G on the plus strand (T>C on the coding strand, the complement: SLC13A5 is on the minus strand). VCF-style: chr17-6687596-A-G. GRCh37 (hg19) VCF-style: chr17-6590915-A-G.
Other names: c.1457T>C, p.Met486Thr (NM_001284509.2); c.1379T>C, p.Met460Thr (NM_001284510.2); c.1438-1258T>C (NM_001143838.3); short protein forms M486T, M460T, M503T.
Identifiers: ClinVar variation 638888 (VCV000638888.8), dbSNP rs765088400, ClinGen allele CA8331355.